The following is an entry in ClinVar:

ClinVar aggregate classification (germline): Uncertain significance (1 of 4 stars; one submission).

Conditions:
Cardiovascular phenotype. Identifiers: MedGen CN230736.

gnomAD v4.1: 1 of 1,424,350 alleles (0.00007%); highest among the groups gnomAD compares: Non-Finnish European, 0.000092%; no homozygotes.

Submission:

Ambry Genetics
Classification: Uncertain significance for Cardiovascular phenotype. Last evaluated: 2025-07-13. Review status: criteria provided, single submitter. Criteria: Ambry Variant Classification Scheme 2023. Collection method: clinical testing. Allele origin: germline.
Comment: The p.S1046C variant (also known as c.3137C>G), located in coding exon 8 of the HCN4 gene, results from a C to G substitution at nucleotide position 3137. The serine at codon 1046 is replaced by cysteine, an amino acid with dissimilar properties. This amino acid position is conserved. In addition, the in silico prediction for this alteration is inconclusive. Based on the available evidence, the clinical significance of this variant remains unclear.

NM_005477.3(HCN4):c.3137C>G (p.Ser1046Cys)

Gene: HCN4 (hyperpolarization activated cyclic nucleotide gated potassium channel 4; minus strand). Cytogenetic location: 15q24.1.
Variant type: single nucleotide variant.
Coding change: c.3137C>G on transcript NM_005477.3 (MANE Select); coding-DNA position 3137, C replaced by G.
Protein change: p.Ser1046Cys; replaces serine 1046 with cysteine.
Molecular consequence: missense variant.
Genome position (GRCh38, 1-based): chr15:73,322,956, G>C on the plus strand (C>G on the coding strand, the complement: HCN4 is on the minus strand). VCF-style: chr15-73322956-G-C. GRCh37 (hg19) VCF-style: chr15-73615297-G-C.
Other names: short protein forms S1046C.
Identifiers: ClinVar variation 4269224 (VCV004269224.1).